The following is an entry in ClinVar:

NM_001352754.2(ARMC9):c.992G>A (p.Arg331His)

Gene: ARMC9 (armadillo repeat containing 9; plus strand). Cytogenetic location: 2q37.1.
Variant type: single nucleotide variant.
Coding change: c.992G>A on transcript NM_001352754.2 (MANE Select); coding-DNA position 992, G replaced by A.
Protein change: p.Arg331His; replaces arginine 331 with histidine.
Molecular consequence: missense variant. On other transcripts: non-coding transcript variant (1).
Genome position (GRCh38, 1-based): chr2:231,259,068, G>A. VCF-style: chr2-231259068-G-A. GRCh37 (hg19) VCF-style: chr2-232123781-G-A.
Other names: c.992G>A, p.Arg331His (NM_001271466.4, NM_001291656.2, NM_001352755.2 and 3 more transcripts); c.893G>A, p.Arg298His (NM_001352757.2, NM_001352758.2); short protein forms R331H, R298H.
Identifiers: ClinVar variation 1378256 (VCV001378256.6), dbSNP rs761245119, ClinGen allele CA2160142.

ClinVar aggregate classification (germline): Uncertain significance. Review status: criteria provided, multiple submitters, no conflicts (2 of 4 stars). 2 submissions from 2 submitters: Uncertain significance (2). Last evaluated 2025-12-15.

Allele frequency attached by ClinVar (database versions not stated): ExAC 0.00001; gnomAD exomes 0.00003; TOPMed 0.00003; gnomAD 0.00004.

Submissions (2):

Labcorp Genetics (formerly Invitae), Labcorp
Classification: Uncertain significance. Last evaluated: 2025-12-15. Review status: criteria provided, single submitter. Criteria: Invitae Variant Classification Sherloc (09022015). Collection method: clinical testing. Allele origin: germline.
Comment: This sequence change replaces arginine, which is basic and polar, with histidine, which is basic and polar, at codon 331 of the ARMC9 protein (p.Arg331His). This variant is present in population databases (rs761245119, gnomAD 0.008%). This variant has not been reported in the literature in individuals affected with ARMC9-related conditions. ClinVar contains an entry for this variant (Variation ID: 1378256). Experimental studies and prediction algorithms are not available or were not evaluated, and the functional significance of this variant is currently unknown. In summary, the available evidence is currently insufficient to determine the role of this variant in disease. Therefore, it has been classified as a Variant of Uncertain Significance.

Blueprint Genetics
Classification: Uncertain significance. Last evaluated: 2024-04-03. Review status: criteria provided, single submitter. Criteria: ACMG Guidelines, 2015. Collection method: clinical testing. Allele origin: germline.